The following is an entry in ClinVar:

ClinVar aggregate classification (germline): Uncertain significance. Review status: criteria provided, multiple submitters, no conflicts (2 of 4 stars). 2 submissions from 2 submitters: Uncertain significance (2). Last evaluated 2025-01-01.

Conditions:
Inborn genetic diseases. Identifiers: MedGen C0950123, MeSH D030342.
DOCK2 deficiency. Also called: Immunodeficiency 40. Identifiers: Orphanet 447737, MedGen C4225328, MONDO:0014637, OMIM 616433.

Allele frequency attached by ClinVar (database versions not stated): gnomAD 0.00001 and 0.00002; TOPMed 0.00002.
gnomAD v4.1: 2 of 1,613,780 alleles (0.00012%); highest among the groups gnomAD compares: African/African-American, 0.0027%; no homozygotes.

Submissions (2):

Ambry Genetics
Classification: Uncertain significance for Inborn genetic diseases. Last evaluated: 2025-01-01. Review status: criteria provided, single submitter. Criteria: Ambry Variant Classification Scheme 2023. Collection method: clinical testing. Allele origin: germline.

Labcorp Genetics (formerly Invitae), Labcorp
Classification: Uncertain significance for DOCK2 deficiency. Last evaluated: 2020-10-09. Review status: criteria provided, single submitter. Criteria: Invitae Variant Classification Sherloc (09022015). Collection method: clinical testing. Allele origin: germline.
Comment: This variant is not present in population databases (ExAC no frequency). This sequence change replaces histidine with arginine at codon 930 of the DOCK2 protein (p.His930Arg). The histidine residue is weakly conserved and there is a small physicochemical difference between histidine and arginine. This variant has not been reported in the literature in individuals with DOCK2-related conditions. Algorithms developed to predict the effect of missense changes on protein structure and function (SIFT, PolyPhen-2, Align-GVGD) all suggest that this variant is likely to be tolerated, but these predictions have not been confirmed by published functional studies and their clinical significance is uncertain. In summary, the available evidence is currently insufficient to determine the role of this variant in disease. Therefore, it has been classified as a Variant of Uncertain Significance.

NM_004946.3(DOCK2):c.2789A>G (p.His930Arg)

Gene: DOCK2 (dedicator of cytokinesis 2; plus strand). Cytogenetic location: 5q35.1.
Variant type: single nucleotide variant.
Coding change: c.2789A>G on transcript NM_004946.3 (MANE Select); coding-DNA position 2789, A replaced by G.
Protein change: p.His930Arg; replaces histidine 930 with arginine.
Molecular consequence: missense variant. On other transcripts: non-coding transcript variant (1).
Genome position (GRCh38, 1-based): chr5:169,840,842, A>G. VCF-style: chr5-169840842-A-G. GRCh37 (hg19) VCF-style: chr5-169267846-A-G.
Other names: c.2789A>G (NM_004946.2); short protein forms H930R.
Identifiers: ClinVar variation 1042961 (VCV001042961.9), dbSNP rs1209214064, ClinGen allele CA362202621.
Genomic context (GRCh38, chr5:169,840,842, plus strand): 5'-AGATCATGGTCCAGCTGCTGCGGACAGTGAACCGGACAGTCATCACCATGGGCCGGGATC[A>G]CATTCTGATTGTGAGTGGATTATTTCTTCTTGTCAAATGTTGCAAGCTCTTCAGCATCTA-3'
Protein context (NP_004937.1, residues 920-940): NRTVITMGRD[His930Arg]ILISHFVACM